The following is an entry in ClinVar:

NM_001367624.2(ZNF469):c.604A>C (p.Thr202Pro)

Gene: ZNF469 (zinc finger protein 469; plus strand). Cytogenetic location: 16q24.2.
Variant type: single nucleotide variant.
Coding change: c.604A>C on transcript NM_001367624.2 (MANE Select); coding-DNA position 604, A replaced by C.
Protein change: p.Thr202Pro; replaces threonine 202 with proline.
Molecular consequence: missense variant.
Genome position (GRCh38, 1-based): chr16:88,428,074, A>C. VCF-style: chr16-88428074-A-C. GRCh37 (hg19) VCF-style: chr16-88494482-A-C.
Other names: NM_001127464.1:c.604A>C; short protein forms T202P.
Identifiers: ClinVar variation 1751259 (VCV001751259.2), dbSNP rs2507571676, ClinGen allele CA397061079.
Genomic context (GRCh38, chr16:88,428,074, plus strand): 5'-AGGTGCTTCCAGGAGCCACCCTCCAGCTTTACCTCCACCAACTATACCTCACCAAGCGCC[A>C]CCCCCAGGCCCCCAGCCCCGGGGCCCCCCCAGAGCAGGGGCACCAGCCCCCTCCAGCCCG-3'
Protein context (NP_001354553.1, residues 192-212): TSTNYTSPSA[Thr202Pro]PRPPAPGPPQ

ClinVar aggregate classification (germline): Uncertain significance (1 of 4 stars; one submission).

Conditions:
Cardiovascular phenotype. Identifiers: MedGen CN230736.

Submission:

Ambry Genetics
Classification: Uncertain significance for Cardiovascular phenotype. Last evaluated: 2021-08-14. Review status: criteria provided, single submitter. Criteria: Ambry Variant Classification Scheme 2023. Collection method: clinical testing. Allele origin: germline.
Comment: The p.T202P variant (also known as c.604A>C), located in coding exon 1 of the ZNF469 gene, results from an A to C substitution at nucleotide position 604. The threonine at codon 202 is replaced by proline, an amino acid with highly similar properties. This amino acid position is conserved. In addition, this alteration is predicted to be tolerated by in silico analysis. Since supporting evidence is limited at this time, the clinical significance of this alteration remains unclear.